The following is an entry in ClinVar:

ClinVar aggregate classification (germline): Uncertain significance (1 of 4 stars; one submission).

gnomAD v4.1: 1 of 1,614,094 alleles (0.000062%); highest among the groups gnomAD compares: East Asian, 0.0022%; no homozygotes.

Submission:

GeneDx
Classification: Uncertain significance. Last evaluated: 2024-10-02. Review status: criteria provided, single submitter. Criteria: GeneDx Variant Classification Process June 2021. Collection method: clinical testing. Allele origin: germline. Affected: yes.
Comment: Not observed at significant frequency in large population cohorts (gnomAD); In silico analysis indicates that this missense variant does not alter protein structure/function; Has not been previously published as pathogenic or benign to our knowledge; Occurs in the triple helical domain at the Y position in the canonical Gly-X-Y repeat; although this variant may have an effect on normal protein folding and function, missense substitution at the Y position is not a common mechanism of disease (HGMD)

NM_000088.4(COL1A1):c.3296C>G (p.Thr1099Arg)

Gene: COL1A1 (collagen type I alpha 1 chain; minus strand). Cytogenetic location: 17q21.33.
Variant type: single nucleotide variant.
Coding change: c.3296C>G on transcript NM_000088.4 (MANE Select); coding-DNA position 3296, C replaced by G.
Protein change: p.Thr1099Arg; replaces threonine 1099 with arginine.
Molecular consequence: missense variant.
Genome position (GRCh38, 1-based): chr17:50,187,949, G>C on the plus strand (C>G on the coding strand, the complement: COL1A1 is on the minus strand). VCF-style: chr17-50187949-G-C. GRCh37 (hg19) VCF-style: chr17-48265310-G-C.
Other names: short protein forms T1099R.
Identifiers: ClinVar variation 3776639 (VCV003776639.1).
Genomic context (GRCh38, chr17:50,187,949, plus strand): 5'-GGACCCTGGAGGCCAGAGAAGCCACGGTGACCCTTTATGCCTCTGTCGCCCTGTTCGCCT[G>C]TCTCACCCTTGTCACCACGGGGGCCTTGGGGTCCCTAGAAGAGAGAAAGGGACAAACTGT-3'
Protein context (NP_000079.2, residues 1089-1109): PQGPRGDKGE[Thr1099Arg]GEQGDRGIKG